The following is an entry in ClinVar:

NM_014956.5(CEP164):c.1474G>A (p.Glu492Lys)

Gene: CEP164 (centrosomal protein 164; plus strand). Cytogenetic location: 11q23.3.
Variant type: single nucleotide variant.
Coding change: c.1474G>A on transcript NM_014956.5 (MANE Select); coding-DNA position 1474, G replaced by A.
Protein change: p.Glu492Lys; replaces glutamic acid 492 with lysine.
Molecular consequence: missense variant.
Genome position (GRCh38, 1-based): chr11:117,381,765, G>A. VCF-style: chr11-117381765-G-A. GRCh37 (hg19) VCF-style: chr11-117252481-G-A.
Other names: c.1483G>A, p.Glu495Lys (NM_001271933.2); short protein forms E492K, E495K.
Identifiers: ClinVar variation 847670 (VCV000847670.8), dbSNP rs757278608, ClinGen allele CA382742543.
Genomic context (GRCh38, chr11:117,381,765, plus strand): 5'-TCTCCTCCACTTCCACACGAGGAGCGGGCCCAGAGTCCCCCTCGCAGCCTGGCCACTGAA[G>A]AAGAGCCTCCCCAGGGCCCCGAGGGGCAGCCCGAGTGGAAGGAGGCAGAGGAGCTTGGGG-3'
Protein context (NP_055771.4, residues 482-502): QSPPRSLATE[Glu492Lys]EPPQGPEGQP

ClinVar aggregate classification (germline): Uncertain significance. Review status: criteria provided, multiple submitters, no conflicts (2 of 4 stars). 2 submissions from 2 submitters: Uncertain significance (2). Last evaluated 2022-09-27.

Conditions:
Nephronophthisis 15 (NPHP15). Identifiers: Orphanet 3156, MedGen C3541853, MONDO:0013917, OMIM 614845.

Allele frequency attached by ClinVar (database versions not stated): TOPMed 0.00001.
gnomAD v4.1: 8 of 1,607,018 alleles (0.0005%); highest among the groups gnomAD compares: Non-Finnish European, 0.00068%; no homozygotes.

Submissions (2):

Labcorp Genetics (formerly Invitae), Labcorp
Classification: Uncertain significance for Nephronophthisis 15. Last evaluated: 2022-09-27. Review status: criteria provided, single submitter. Criteria: Invitae Variant Classification Sherloc (09022015). Collection method: clinical testing. Allele origin: germline.
Comment: In summary, the available evidence is currently insufficient to determine the role of this variant in disease. Therefore, it has been classified as a Variant of Uncertain Significance. Algorithms developed to predict the effect of missense changes on protein structure and function output the following: SIFT: "Deleterious"; PolyPhen-2: "Benign"; Align-GVGD: "Class C15". The lysine amino acid residue is found in multiple mammalian species, which suggests that this missense change does not adversely affect protein function. ClinVar contains an entry for this variant (Variation ID: 847670). This variant has not been reported in the literature in individuals affected with CEP164-related conditions. This variant is not present in population databases (gnomAD no frequency). This sequence change replaces glutamic acid, which is acidic and polar, with lysine, which is basic and polar, at codon 492 of the CEP164 protein (p.Glu492Lys).

Fulgent Genetics
Classification: Uncertain significance for Nephronophthisis 15. Last evaluated: 2022-02-24. Review status: criteria provided, single submitter. Criteria: ACMG Guidelines, 2015. Collection method: clinical testing. Allele origin: unknown.